The following is an entry in ClinVar:

NM_001079802.2(FKTN):c.1315T>C (p.Ser439Pro)

Gene: FKTN (fukutin; plus strand). Cytogenetic location: 9q31.2.
Variant type: single nucleotide variant.
Coding change: c.1315T>C on transcript NM_001079802.2 (MANE Select); coding-DNA position 1315, T replaced by C.
Protein change: p.Ser439Pro; replaces serine 439 with proline.
Molecular consequence: missense variant. On other transcripts: 3 prime UTR variant (1), non-coding transcript variant (2), intron variant (1).
Genome position (GRCh38, 1-based): chr9:105,635,193, T>C. VCF-style: chr9-105635193-T-C. GRCh37 (hg19) VCF-style: chr9-108397474-T-C.
Other names: c.1315T>C, p.Ser439Pro (NM_001351496.2, NM_006731.2); c.1246T>C, p.Ser416Pro (NM_001351497.2); c.*107T>C (NM_001351498.2); c.919T>C, p.Ser307Pro (NM_001351499.2, NM_001351500.2, NM_001351501.2 and 1 more transcripts); c.1270+45T>C (NM_001198963.2); c.1315T>C (NM_001079802.1); short protein forms S307P, S416P, S439P.
Identifiers: ClinVar variation 1405796 (VCV001405796.4), dbSNP rs758196050, ClinGen allele CA5170611.

ClinVar aggregate classification (germline): Uncertain significance. Review status: criteria provided, multiple submitters, no conflicts (2 of 4 stars). 2 submissions from 2 submitters: Uncertain significance (2). Last evaluated 2026-04-02.

Conditions:
Cardiovascular phenotype. Identifiers: MedGen CN230736.
Walker-Warburg congenital muscular dystrophy. Also called: Muscular dystrophy-dystroglycanopathy, type A; Walker-Warburg syndrome. Identifiers: Orphanet 899, MedGen C0265221, MONDO:0000171.

Allele frequency attached by ClinVar (database versions not stated): ExAC 0.00001; gnomAD exomes below 0.00001.
gnomAD v4.1: 1 of 1,614,146 alleles (0.000062%); highest among the groups gnomAD compares: South Asian, 0.0011%; no homozygotes.

Submissions (2):

Ambry Genetics
Classification: Uncertain significance for Cardiovascular phenotype. Last evaluated: 2026-04-02. Review status: criteria provided, single submitter. Criteria: Ambry Variant Classification Scheme 2023. Collection method: clinical testing. Allele origin: germline.
Comment: The p.S439P variant (also known as c.1315T>C), located in coding exon 9 of the FKTN gene, results from a T to C substitution at nucleotide position 1315. The serine at codon 439 is replaced by proline, an amino acid with similar properties. This amino acid position is conserved. In addition, the in silico prediction for this alteration is inconclusive. Based on the available evidence, the clinical significance of this variant remains unclear.

Labcorp Genetics (formerly Invitae), Labcorp
Classification: Uncertain significance for Walker-Warburg congenital muscular dystrophy. Last evaluated: 2021-10-18. Review status: criteria provided, single submitter. Criteria: Invitae Variant Classification Sherloc (09022015). Collection method: clinical testing. Allele origin: germline.
Comment: This sequence change replaces serine with proline at codon 439 of the FKTN protein (p.Ser439Pro). The serine residue is highly conserved and there is a moderate physicochemical difference between serine and proline. This variant is present in population databases (rs758196050, ExAC 0.006%). This variant has not been reported in the literature in individuals with FKTN-related conditions. Algorithms developed to predict the effect of missense changes on protein structure and function are either unavailable or do not agree on the potential impact of this missense change (SIFT: "Deleterious"; PolyPhen-2: "Probably Damaging"; Align-GVGD: "Class C0"). In summary, the available evidence is currently insufficient to determine the role of this variant in disease. Therefore, it has been classified as a Variant of Uncertain Significance.